The following is an entry in ClinVar:

ClinVar aggregate classification (germline): Pathogenic (1 of 4 stars; one submission).

Conditions:
Familial adenomatous polyposis 1 (FAP1). Also called: FAMILIAL ADENOMATOUS POLYPOSIS 1, ATTENUATED; POLYPOSIS, ADENOMATOUS INTESTINAL. Identifiers: MedGen C2713442, MONDO:0021056, OMIM 175100. Disease mechanism: loss of function.

Submission:

Labcorp Genetics (formerly Invitae), Labcorp
Classification: Pathogenic for Familial adenomatous polyposis 1. Last evaluated: 2016-08-16. Review status: criteria provided, single submitter. Criteria: Invitae Variant Classification Sherloc (09022015). Collection method: clinical testing. Allele origin: germline.
Comment: For these reasons, this variant has been classified as Pathogenic. While this particular variant has not been reported in the literature, loss-of-function variants in APC are known to be pathogenic (PMID: 20685668, 17963004). In addition, multiple truncating variants downstream of this truncation have been reported as pathogenic in individuals with familial adenomatous polyposis (PMID: 17064931, 1316610 ). This sequence change deletes 2 nucleotides from exon 16 of the APC mRNA (c.2910_2911delTG), causing a frameshift at codon 970. This creates a premature translational stop signal in the last exon of the APC mRNA (p.Ser970Argfs*5). While this is not anticipated to result in nonsense mediated decay, it is expected to result in a truncated APC protein by eliminating ~1870 amino acid residues (~66%) from the full length protein.

Literature cited by the submitters: PubMed 20685668; PubMed 17963004; PubMed 17064931; PubMed 1316610.

NM_000038.6(APC):c.2910_2911del (p.Ser970fs)

Gene: APC (APC regulator of Wnt signaling pathway; plus strand). Cytogenetic location: 5q22.2.
Variant type: Deletion.
Coding change: c.2910_2911del on transcript NM_000038.6 (MANE Select); coding-DNA positions 2910 to 2911, 2 bases deleted (TG; older notation c.2910_2911delTG).
Protein change: p.Ser970fs; shifts the reading frame from serine 970.
Molecular consequence: frameshift variant.
Genome position (GRCh38, 1-based): chr5:112,838,504-112,838,505, TG deleted; deleting any 2 consecutive bases within chr5:112,838,503-112,838,505 gives the same sequence; the c. name uses the placement nearest the transcript's 3' end. VCF-style (leftmost placement, unchanged base first): chr5-112838502-AGT-A. GRCh37 (hg19) VCF-style: chr5-112174199-AGT-A.
Other names: c.2856_2857del, p.Ser952fs (NM_001127511.3); c.2910_2911del, p.Ser970fs (NM_001354895.2, NM_001127510.3); c.2964_2965del, p.Ser988fs (NM_001354896.2); c.2940_2941del, p.Ser980fs (NM_001354897.2); c.2835_2836del, p.Ser945fs (NM_001354898.2); c.2826_2827del, p.Ser942fs (NM_001354899.2); c.2787_2788del, p.Ser929fs (NM_001354900.2); c.2733_2734del, p.Ser911fs (NM_001354901.2); and 5 more; short protein forms S844fs, S810fs, S911fs, S942fs, S945fs, S988fs, S869fs, S879fs.
Identifiers: ClinVar variation 411441 (VCV000411441.48), dbSNP rs1060503307, ClinGen allele CA16611800.